The following is an entry in ClinVar:

NM_004937.3(CTNS):c.890G>A (p.Trp297Ter)

Gene: CTNS (cystinosin, lysosomal cystine transporter; plus strand). Cytogenetic location: 17p13.2.
Variant type: single nucleotide variant.
Coding change: c.890G>A on transcript NM_004937.3 (MANE Select); coding-DNA position 890, G replaced by A.
Protein change: p.Trp297Ter; replaces tryptophan 297 with a stop codon.
Molecular consequence: nonsense.
Genome position (GRCh38, 1-based): chr17:3,659,895, G>A. VCF-style: chr17-3659895-G-A. GRCh37 (hg19) VCF-style: chr17-3563189-G-A.
Other names: c.890G>A, p.Trp297Ter (NM_001031681.3, NM_001374492.1); c.449G>A, p.Trp150Ter (NM_001374493.1, NM_001374494.1, NM_001374495.1 and 1 more transcripts); short protein forms W297*, W150*.
Identifiers: ClinVar variation 551289 (VCV000551289.13), dbSNP rs917630768, ClinGen allele CA287019849.

ClinVar aggregate classification (germline): Pathogenic. Review status: criteria provided, multiple submitters, no conflicts (2 of 4 stars). 3 submissions from 3 submitters: Pathogenic (2). 1 of the submissions does not count toward it. Last evaluated 2023-09-29.

Conditions:
Juvenile nephropathic cystinosis. Also called: Intermediate Cystinosis; Later-Onset (Juvenile) Cystinosis; CYSTINOSIS, LATE-ONSET JUVENILE OR ADOLESCENT NEPHROPATHIC TYPE. Identifiers: Orphanet 213, Orphanet 411634, MedGen C0268626, MONDO:0009066, OMIM 219900.
Inborn genetic diseases. Identifiers: MedGen C0950123, MeSH D030342.
Ocular cystinosis. Also called: Non-Nephropathic Cystinosis; Non-Nephropathic (Ocular) Cystinosis. Identifiers: Orphanet 213, Orphanet 411641, MedGen C2931013, MONDO:0009064, OMIM 219750.
Nephropathic cystinosis (CTNS). Also called: CYSTINOSIN, DEFECT OF; LYSOSOMAL CYSTINE TRANSPORT PROTEIN, DEFECT OF; Abderhalden Lignac Kaufmann disease; Abderhalden-Kaufmann-Lignac syndrome. Identifiers: Orphanet 213, Orphanet 411629, MedGen C2931187, MONDO:0100151, OMIM 219800.

Allele frequency attached by ClinVar (database versions not stated): gnomAD exomes below 0.00001; TOPMed below 0.00001.

Submissions (3):

Baylor Genetics
Classification: Pathogenic for Nephropathic cystinosis. Last evaluated: 2023-09-29. Review status: criteria provided, single submitter. Criteria: ACMG Guidelines, 2015. Collection method: clinical testing. Allele origin: unknown.

Labcorp Genetics (formerly Invitae), Labcorp
Classification: Pathogenic for Inborn genetic diseases; Ocular cystinosis; Juvenile nephropathic cystinosis. Last evaluated: 2023-09-12. Review status: criteria provided, single submitter. Criteria: Invitae Variant Classification Sherloc (09022015). Collection method: clinical testing. Allele origin: germline.
Comment: This sequence change creates a premature translational stop signal (p.Trp297*) in the CTNS gene. It is expected to result in an absent or disrupted protein product. Loss-of-function variants in CTNS are known to be pathogenic (PMID: 9537412, 27102039). For these reasons, this variant has been classified as Pathogenic. ClinVar contains an entry for this variant (Variation ID: 551289). This premature translational stop signal has been observed in individual(s) with cystinosis (PMID: 12825071, 26565940). In at least one individual the data is consistent with being in trans (on the opposite chromosome) from a pathogenic variant. This variant is not present in population databases (gnomAD no frequency).

Counsyl
Classification: Pathogenic for Nephropathic cystinosis. Last evaluated: 2017-03-29. Review status: no assertion criteria provided. Collection method: clinical testing. Allele origin: unknown. Not counted in ClinVar's aggregate classification.

Literature cited by the submitters: PubMed 9537412 (cited by Labcorp Genetics (formerly Invitae), Labcorp); PubMed 27102039 (cited by Labcorp Genetics (formerly Invitae), Labcorp); PubMed 12825071 (cited by Labcorp Genetics (formerly Invitae), Labcorp and Counsyl); PubMed 26565940 (cited by Labcorp Genetics (formerly Invitae), Labcorp and Counsyl).